The following is an entry in ClinVar:

NM_001024630.4(RUNX2):c.1378C>G (p.Pro460Ala)

Gene: RUNX2 (RUNX family transcription factor 2; plus strand). Cytogenetic location: 6p21.1.
Variant type: single nucleotide variant.
Coding change: c.1378C>G on transcript NM_001024630.4 (MANE Select); coding-DNA position 1378, C replaced by G.
Protein change: p.Pro460Ala; replaces proline 460 with alanine.
Molecular consequence: missense variant.
Genome position (GRCh38, 1-based): chr6:45,547,117, C>G. VCF-style: chr6-45547117-C-G. GRCh37 (hg19) VCF-style: chr6-45514854-C-G.
Other names: c.1312C>G, p.Pro438Ala (NM_001015051.4); c.1270C>G, p.Pro424Ala (NM_001278478.2); c.1336C>G, p.Pro446Ala (NM_001369405.1); short protein forms P424A, P438A, P446A, P460A.
Identifiers: ClinVar variation 1700939 (VCV001700939.2), dbSNP rs2150454132, ClinGen allele CA363957100.

ClinVar aggregate classification (germline): Uncertain significance (1 of 4 stars; one submission).

Submission:

GeneDx
Classification: Uncertain significance. Last evaluated: 2022-02-14. Review status: criteria provided, single submitter. Criteria: GeneDx Variant Classification Process June 2021. Collection method: clinical testing. Allele origin: germline. Affected: yes.
Comment: Not observed at significant frequency in large population cohorts (gnomAD); In silico analysis supports that this missense variant does not alter protein structure/function; Has not been previously published as pathogenic or benign to our knowledge